The following is an entry in ClinVar:

ClinVar aggregate classification (germline): Likely pathogenic (1 of 4 stars; one submission).

Conditions:
Hereditary spastic paraplegia 4. Also called: Familial spastic paraplegia autosomal dominant 2; Spastic Paraplegia 4; Spastic paraplegia 4, autosomal dominant. Identifiers: Orphanet 100985, MedGen C1866855, MONDO:0008438, OMIM 182601.

Submission:

Labcorp Genetics (formerly Invitae), Labcorp
Classification: Likely pathogenic for Hereditary spastic paraplegia 4. Last evaluated: 2021-04-07. Review status: criteria provided, single submitter. Criteria: Invitae Variant Classification Sherloc (09022015). Collection method: clinical testing. Allele origin: germline.
Comment: In summary, the currently available evidence indicates that the variant is pathogenic, but additional data are needed to prove that conclusively. Therefore, this variant has been classified as Likely Pathogenic. This variant has been observed in individual(s) with clinical features of hereditary spastic paraplegia (Invitae). The frequency data for this variant in the population databases is considered unreliable, as metrics indicate insufficient coverage at this position in the ExAC database. This variant results in the deletion of part of exon 1 (c.296_415+198del) of the SPAST gene. It is expected to disrupt RNA splicing. Variants that disrupt the donor or acceptor splice site typically lead to a loss of protein function (PMID: 16199547), and loss-of-function variants in SPAST are known to be pathogenic (PMID: 20932283).

Literature cited by the submitters: PubMed 16199547; PubMed 20932283.

NM_014946.4(SPAST):c.296_415+198del

Genes: SPAST (spastin; plus strand), LOC129933455 (ATAC-STARR-seq lymphoblastoid silent region 11339; plus strand). Cytogenetic location: 2p22.3.
Variant type: Deletion.
Coding change: c.296_415+198del on transcript NM_014946.4 (MANE Select); coding-DNA position 296 through 198 bases into the intron after coding-DNA position 415, 318 bases deleted.
Molecular consequence: splice donor variant.
Genome position (GRCh38, 1-based): chr2:32,064,127-32,064,444, 318 bases deleted. GRCh37 (hg19): chr2:32,289,196-32,289,513.
Other names: c.296_415+198del (NM_199436.2, NM_001377959.1, NM_001363823.2 and 1 more transcripts).
Identifiers: ClinVar variation 1347174 (VCV001347174.6), dbSNP rs2148685676, ClinGen allele CA2573134600.